The following is an entry in ClinVar:

ClinVar aggregate classification (germline): Uncertain significance. Review status: criteria provided, multiple submitters, no conflicts (2 of 4 stars). 2 submissions from 2 submitters: Uncertain significance (2). Last evaluated 2023-10-20.

Conditions:
Hereditary cancer-predisposing syndrome. Also called: Tumor predisposition; Hereditary Cancer Syndrome; Neoplastic Syndromes, Hereditary; Hereditary neoplastic syndrome. Identifiers: Orphanet 140162, MedGen C0027672, MeSH D009386, MONDO:0015356.

Submissions (2):

GeneDx
Classification: Uncertain significance. Last evaluated: 2023-10-20. Review status: criteria provided, single submitter. Criteria: GeneDx Variant Classification Process June 2021. Collection method: clinical testing. Allele origin: germline. Affected: yes.
Comment: Not observed at significant frequency in large population cohorts (gnomAD); In silico analysis supports that this missense variant has a deleterious effect on protein structure/function; Has not been previously published as pathogenic or benign to our knowledge; This variant is associated with the following publications: (PMID: 20951805)

Ambry Genetics
Classification: Uncertain significance for Hereditary cancer-predisposing syndrome. Last evaluated: 2018-07-25. Review status: criteria provided, single submitter. Criteria: Ambry Variant Classification Scheme 2023. Collection method: clinical testing. Allele origin: germline.
Comment: The p.G365D variant (also known as c.1094G>A), located in coding exon 8 of the POLD1 gene, results from a G to A substitution at nucleotide position 1094. The glycine at codon 365 is replaced by aspartic acid, an amino acid with similar properties. This amino acid position is highly conserved in available vertebrate species. In addition, the in silico prediction for this alteration is inconclusive. Since supporting evidence is limited at this time, the clinical significance of this alteration remains unclear.

NM_002691.4(POLD1):c.1094G>A (p.Gly365Asp)

Gene: POLD1 (DNA polymerase delta 1, catalytic subunit; plus strand). Cytogenetic location: 19q13.33.
Variant type: single nucleotide variant.
Coding change: c.1094G>A on transcript NM_002691.4 (MANE Select); coding-DNA position 1094, G replaced by A.
Protein change: p.Gly365Asp; replaces glycine 365 with aspartic acid.
Molecular consequence: missense variant. On other transcripts: non-coding transcript variant (1).
Genome position (GRCh38, 1-based): chr19:50,403,176, G>A. VCF-style: chr19-50403176-G-A. GRCh37 (hg19) VCF-style: chr19-50906433-G-A.
Other names: c.1094G>A, p.Gly365Asp (NM_001256849.1, NM_001308632.1); c.1094G>A (NM_002691.3); short protein forms G365D.
Identifiers: ClinVar variation 822151 (VCV000822151.5), dbSNP rs1555790445, ClinGen allele CA406978311.